The following is an entry in ClinVar:

NM_018255.4(ELP2):c.1239A>C (p.Arg413Ser)

Gene: ELP2 (elongator acetyltransferase complex subunit 2; plus strand). Cytogenetic location: 18q12.2.
Variant type: single nucleotide variant.
Coding change: c.1239A>C on transcript NM_018255.4 (MANE Select); coding-DNA position 1239, A replaced by C.
Protein change: p.Arg413Ser; replaces arginine 413 with serine.
Molecular consequence: missense variant. On other transcripts: non-coding transcript variant (4), intron variant (1).
Genome position (GRCh38, 1-based): chr18:36,154,963, A>C. VCF-style: chr18-36154963-A-C. GRCh37 (hg19) VCF-style: chr18-33734926-A-C.
Other names: c.1434A>C, p.Arg478Ser (NM_001242875.3); c.1224A>C, p.Arg408Ser (NM_001242876.3); c.1161A>C, p.Arg387Ser (NM_001242877.3); c.1029A>C, p.Arg343Ser (NM_001242878.3, NM_001242879.3); c.1107A>C, p.Arg369Ser (NM_001324465.2); c.1356A>C, p.Arg452Ser (NM_001324466.2); c.792A>C, p.Arg264Ser (NM_001324468.2); c.1126-1503A>C (NM_001324467.2); short protein forms R408S, R452S, R369S, R387S, R413S, R478S, R264S, R343S.
Identifiers: ClinVar variation 1030307 (VCV001030307.1), dbSNP rs2090517565, ClinGen allele CA402209917.

ClinVar aggregate classification (germline): Uncertain significance (1 of 4 stars; one submission).

Conditions:
Intellectual developmental disorder, autosomal recessive 58. Also called: Intellectual disability, autosomal recessive 58. Identifiers: MedGen C4310641, MONDO:0014996, OMIM 617270.

Submission:

Baylor Genetics
Classification: Uncertain significance for Intellectual developmental disorder, autosomal recessive 58. Last evaluated: 2020-06-03. Review status: criteria provided, single submitter. Criteria: ACMG Guidelines, 2015. Collection method: clinical testing. Allele origin: unknown. Affected: yes.
Comment: This variant was determined to be of uncertain significance according to ACMG Guidelines, 2015 [PMID:25741868].